The following is an entry in ClinVar:

NM_001276270.2(MBD4):c.1238C>G (p.Ser413Cys)

Gene: MBD4 (methyl-CpG binding domain 4, DNA glycosylase; minus strand). Cytogenetic location: 3q21.3.
Variant type: single nucleotide variant.
Coding change: c.1238C>G on transcript NM_001276270.2 (MANE Select); coding-DNA position 1238, C replaced by G.
Protein change: p.Ser413Cys; replaces serine 413 with cysteine.
Molecular consequence: missense variant.
Genome position (GRCh38, 1-based): chr3:129,434,082, G>C on the plus strand (C>G on the coding strand, the complement: MBD4 is on the minus strand). VCF-style: chr3-129434082-G-C. GRCh37 (hg19) VCF-style: chr3-129152925-G-C.
Other names: c.302C>G, p.Ser101Cys (NM_001276273.2); c.1256C>G, p.Ser419Cys (NM_003925.3, NM_001276271.2, NM_001276272.2); short protein forms S101C, S413C, S419C.
Identifiers: ClinVar variation 2794254 (VCV002794254.4), dbSNP rs370690359, ClinGen allele CA2605366.

ClinVar aggregate classification (germline): Uncertain significance. Review status: criteria provided, multiple submitters, no conflicts (2 of 4 stars). 2 submissions from 2 submitters: Uncertain significance (2). Last evaluated 2024-12-04.

Conditions:
Inborn genetic diseases. Identifiers: MedGen C0950123, MeSH D030342.

Allele frequency attached by ClinVar (database versions not stated): gnomAD exomes below 0.00001; gnomAD 0.00001; ExAC 0.00002; TOPMed 0.00002; ESP Exome Variant Server 0.00008.
gnomAD v4.1: 3 of 1,613,922 alleles (0.00019%); highest among the groups gnomAD compares: African/African-American, 0.004%; no homozygotes.

Submissions (2):

Ambry Genetics
Classification: Uncertain significance for Inborn genetic diseases. Last evaluated: 2024-12-04. Review status: criteria provided, single submitter. Criteria: Ambry Variant Classification Scheme 2023. Collection method: clinical testing. Allele origin: germline.
Comment: The p.S413C variant (also known as c.1238C>G), located in coding exon 4 of the MBD4 gene, results from a C to G substitution at nucleotide position 1238. The serine at codon 413 is replaced by cysteine, an amino acid with dissimilar properties. This amino acid position is conserved. In addition, the in silico prediction for this alteration is inconclusive. Based on the available evidence, the clinical significance of this variant remains unclear.

Labcorp Genetics (formerly Invitae), Labcorp
Classification: Uncertain significance. Last evaluated: 2024-01-27. Review status: criteria provided, single submitter. Criteria: Invitae Variant Classification Sherloc (09022015). Collection method: clinical testing. Allele origin: germline.
Comment: This sequence change replaces serine, which is neutral and polar, with cysteine, which is neutral and slightly polar, at codon 419 of the MBD4 protein (p.Ser419Cys). This variant is present in population databases (rs370690359, gnomAD 0.01%). This variant has not been reported in the literature in individuals affected with MBD4-related conditions. An algorithm developed to predict the effect of missense changes on protein structure and function (PolyPhen-2) suggests that this variant is likely to be disruptive. In summary, the available evidence is currently insufficient to determine the role of this variant in disease. Therefore, it has been classified as a Variant of Uncertain Significance.